The following is an entry in ClinVar:

ClinVar aggregate classification (germline): Likely benign (0 of 4 stars; one submission).

Conditions:
HNF1A-related disorder. Also called: HNF1A-related condition.

Allele frequency attached by ClinVar (database versions not stated): gnomAD 0.00001.
gnomAD v4.1: 2 of 1,611,114 alleles (0.00012%); highest among the groups gnomAD compares: Non-Finnish European, 0.000085%; no homozygotes.

Submission:

PreventionGenetics, part of Exact Sciences
Classification: Likely benign for HNF1A-related condition. Last evaluated: 2021-07-07. Review status: no assertion criteria provided. Collection method: clinical testing. Allele origin: germline.
Comment: This variant is classified as likely benign based on ACMG/AMP sequence variant interpretation guidelines (Richards et al. 2015 PMID: 25741868, with internal and published modifications).

NM_000545.8(HNF1A):c.1335T>C (p.Ser445=)

Gene: HNF1A (HNF1 homeobox A; plus strand). Cytogenetic location: 12q24.31.
Variant type: single nucleotide variant.
Coding change: c.1335T>C on transcript NM_000545.8 (MANE Select); coding-DNA position 1335, T replaced by C.
Protein change: p.Ser445=; no amino-acid change (serine 445 retained).
Molecular consequence: synonymous variant. On other transcripts: intron variant (1).
Genome position (GRCh38, 1-based): chr12:120,997,499, T>C. VCF-style: chr12-120997499-T-C. GRCh37 (hg19) VCF-style: chr12-121435302-T-C.
Other names: c.1335T>C, p.Ser445= (NM_001306179.2); c.1309+757T>C (NM_001406915.1).
Identifiers: ClinVar variation 3061587 (VCV003061587.2), dbSNP rs1877170209, ClinGen allele CA482165105.